The following is an entry in ClinVar:

ClinVar aggregate classification (germline): Uncertain significance (1 of 4 stars; one submission).

Conditions:
Aicardi-Goutieres syndrome 5. Identifiers: Orphanet 51, MedGen C2749659, MONDO:0013059, OMIM 612952.

Submission:

Labcorp Genetics (formerly Invitae), Labcorp
Classification: Uncertain significance for Aicardi-Goutieres syndrome 5. Last evaluated: 2021-08-26. Review status: criteria provided, single submitter. Criteria: Invitae Variant Classification Sherloc (09022015). Collection method: clinical testing. Allele origin: germline.
Comment: In summary, the available evidence is currently insufficient to determine the role of this variant in disease. Therefore, it has been classified as a Variant of Uncertain Significance. Algorithms developed to predict the effect of missense changes on protein structure and function output the following: SIFT: "Tolerated"; PolyPhen-2: "Benign"; Align-GVGD: "Class C0". The serine amino acid residue is found in multiple mammalian species, which suggests that this missense change does not adversely affect protein function. This variant has not been reported in the literature in individuals affected with SAMHD1-related conditions. This variant is not present in population databases (ExAC no frequency). This sequence change replaces proline with serine at codon 62 of the SAMHD1 protein (p.Pro62Ser). The proline residue is weakly conserved and there is a moderate physicochemical difference between proline and serine.

NM_015474.4(SAMHD1):c.184C>T (p.Pro62Ser)

Gene: SAMHD1 (SAM and HD domain containing deoxynucleoside triphosphate triphosphohydrolase 1; minus strand). Cytogenetic location: 20q11.23.
Variant type: single nucleotide variant.
Coding change: c.184C>T on transcript NM_015474.4 (MANE Select); coding-DNA position 184, C replaced by T.
Protein change: p.Pro62Ser; replaces proline 62 with serine.
Molecular consequence: missense variant.
Genome position (GRCh38, 1-based): chr20:36,951,460, G>A on the plus strand (C>T on the coding strand, the complement: SAMHD1 is on the minus strand). VCF-style: chr20-36951460-G-A. GRCh37 (hg19) VCF-style: chr20-35579863-G-A.
Other names: c.184C>T, p.Pro62Ser (NM_001363729.2, NM_001363733.2); short protein forms P62S.
Identifiers: ClinVar variation 1501129 (VCV001501129.6), dbSNP rs2146160495, ClinGen allele CA408831907.